The following is an entry in ClinVar:

ClinVar aggregate classification (germline): Uncertain significance (1 of 4 stars; one submission).

Conditions:
Familial temporal lobe epilepsy 7. Identifiers: Orphanet 101046, MedGen C4225327, MONDO:0014639, OMIM 616436.
Norman-Roberts syndrome (LIS2). Also called: Lissencephaly 2 (Norman-Roberts type). Identifiers: Orphanet 89844, MedGen C0796089, MONDO:0009760, OMIM 257320.

gnomAD v4.1: 1 of 1,613,790 alleles (0.000062%); highest among the groups gnomAD compares: Non-Finnish European, 0.000085%; no homozygotes.

Submission:

Labcorp Genetics (formerly Invitae), Labcorp
Classification: Uncertain significance for Familial temporal lobe epilepsy 7; Norman-Roberts syndrome. Last evaluated: 2025-12-15. Review status: criteria provided, single submitter. Criteria: Invitae Variant Classification Sherloc (09022015). Collection method: clinical testing. Allele origin: germline.
Comment: This sequence change replaces isoleucine, which is neutral and non-polar, with valine, which is neutral and non-polar, at codon 758 of the RELN protein (p.Ile758Val). This variant is not present in population databases (gnomAD no frequency). This variant has not been reported in the literature in individuals affected with RELN-related conditions. ClinVar contains an entry for this variant (Variation ID: 3763999). Invitae Evidence Modeling of protein sequence and biophysical properties (such as structural, functional, and spatial information, amino acid conservation, physicochemical variation, residue mobility, and thermodynamic stability) indicates that this missense variant is not expected to disrupt RELN protein function with a negative predictive value of 80%. In summary, the available evidence is currently insufficient to determine the role of this variant in disease. Therefore, it has been classified as a Variant of Uncertain Significance.

NM_005045.4(RELN):c.2272A>G (p.Ile758Val)

Gene: RELN (reelin; minus strand). Cytogenetic location: 7q22.1.
Variant type: single nucleotide variant.
Coding change: c.2272A>G on transcript NM_005045.4 (MANE Select); coding-DNA position 2272, A replaced by G.
Protein change: p.Ile758Val; replaces isoleucine 758 with valine.
Molecular consequence: missense variant.
Genome position (GRCh38, 1-based): chr7:103,636,266, T>C on the plus strand (A>G on the coding strand, the complement: RELN is on the minus strand). VCF-style: chr7-103636266-T-C. GRCh37 (hg19) VCF-style: chr7-103276713-T-C.
Other names: c.2272A>G, p.Ile758Val (NM_173054.3); short protein forms I758V.
Identifiers: ClinVar variation 3763999 (VCV003763999.2).